The following is an entry in ClinVar:

NM_000642.3(AGL):c.4027G>A (p.Glu1343Lys)

Gene: AGL (amylo-alpha-1,6-glucosidase and 4-alpha-glucanotransferase; plus strand). Cytogenetic location: 1p21.2.
Variant type: single nucleotide variant.
Coding change: c.4027G>A on transcript NM_000642.3 (MANE Select); coding-DNA position 4027, G replaced by A.
Protein change: p.Glu1343Lys; replaces glutamic acid 1343 with lysine.
Molecular consequence: missense variant.
Genome position (GRCh38, 1-based): chr1:99,913,604, G>A. VCF-style: chr1-99913604-G-A. GRCh37 (hg19) VCF-style: chr1-100379160-G-A.
Other names: c.4027G>A, p.Glu1343Lys (NM_000028.3, NM_000643.3, NM_000644.3 and 1 more transcripts); c.3979G>A, p.Glu1327Lys (NM_000646.3); c.4006G>A, p.Glu1336Lys (NM_001425326.1); c.3826G>A, p.Glu1276Lys (NM_001425327.1); c.3823G>A, p.Glu1275Lys (NM_001425328.1); c.3688G>A, p.Glu1230Lys (NM_001425329.1); c.3649G>A, p.Glu1217Lys (NM_001425332.1); short protein forms E1343K, E1327K, E1217K, E1230K, E1275K, E1276K, E1336K.
Identifiers: ClinVar variation 456499 (VCV000456499.25), dbSNP rs112795811, ClinGen allele CA967290.
Genomic context (GRCh38, chr1:99,913,604, plus strand): 5'-TCATATGATGAGTGGAACAGAAAAATACAAGACAACTTTGAAAAGCTATTTCATGTTTCC[G>A]AAGACCCTTCAGATTTAAATGAAAAGCATCCAAATCTGGTTCACAAACGTGGCATATACA-3'
Protein context (NP_000633.2, residues 1333-1353): DNFEKLFHVS[Glu1343Lys]DPSDLNEKHP

ClinVar aggregate classification (germline): Benign/Likely benign. Review status: criteria provided, multiple submitters, no conflicts (2 of 4 stars). 8 submissions from 8 submitters: Benign (2); Likely benign (5). 1 of the submissions does not count toward it. Last evaluated 2026-02-01.

Conditions:
AGL-related disorder. Also called: AGL-related condition.
Glycogen storage disease type III (GSD3). Also called: Cori disease; FORBES DISEASE. Identifiers: Orphanet 366, MedGen C0017922, MONDO:0009291, OMIM 232400.

Allele frequency attached by ClinVar (database versions not stated): ESP Exome Variant Server 0.00008; gnomAD 0.00014 and 0.00025; gnomAD exomes 0.00024 and 0.00056; TOPMed 0.00037; ExAC 0.00050; 1000 Genomes Project 30x 0.00125; 1000 Genomes Project 0.00140.
gnomAD v4.1: 408 of 1,614,018 alleles (0.025%); highest among the groups gnomAD compares: East Asian, 0.58%; 2 homozygotes.

Submissions (8):

Labcorp Genetics (formerly Invitae), Labcorp
Classification: Benign for Glycogen storage disease type III. Last evaluated: 2026-02-01. Review status: criteria provided, single submitter. Criteria: Invitae Variant Classification Sherloc (09022015). Collection method: clinical testing. Allele origin: germline.

Blueprint Genetics
Classification: Likely benign. Last evaluated: 2024-10-03. Review status: criteria provided, single submitter. Criteria: ACMG Guidelines, 2015. Collection method: clinical testing. Allele origin: germline.

Women's Health and Genetics/Laboratory Corporation of America, LabCorp
Classification: Likely benign. Last evaluated: 2022-02-19. Review status: criteria provided, single submitter. Criteria: LabCorp Variant Classification Summary - May 2015. Collection method: clinical testing. Allele origin: germline.
Comment: Variant summary: AGL c.4027G>A (p.Glu1343Lys) results in a conservative amino acid change located in the Glycogen debranching enzyme, C-terminal domain (IPR032790) of the encoded protein sequence. Four of five in-silico tools predict a benign effect of the variant on protein function. The variant allele was found at a frequency of 0.00056 in 251164 control chromosomes, predominantly at a frequency of 0.0065 within the East Asian subpopulation in the gnomAD database, including 1 homozygote. The observed variant frequency within East Asian control individuals in the gnomAD database is approximately 2.9 fold of the estimated maximal expected allele frequency for a pathogenic variant in AGL causing Glycogen Storage Disease Type III phenotype (0.0023), strongly suggesting that the variant is a benign polymorphism found primarily in populations of East Asian origin. c.4027G>A has been reported in the literature in at-least one Japanese individual affected with Glycogen Storage Disease Type III who harbored another heterozygous variant, c.3816_3817del; p.Gly1273Asnfs*18 in the AGL gene. However, the exact phase was not specified. These report(s) do not provide unequivocal conclusions about association of the variant with Glycogen Storage Disease Type III. To our knowledge, no experimental evidence demonstrating an impact on protein function has been reported. Five clinical diagnostic laboratories have submitted clinical-significance assessments for this variant to ClinVar after 2014 without evidence for independent evaluation. All laboratories classified the variant as benign/likely benign. Based on the evidence outlined above, the variant was classified as likely benign.

Genome-Nilou Lab
Classification: Benign for Glycogen storage disease type III. Last evaluated: 2021-07-15. Review status: criteria provided, single submitter. Criteria: ACMG Guidelines, 2015. Collection method: clinical testing. Allele origin: germline. Affected: no.

GeneDx
Classification: Likely benign. Last evaluated: 2018-04-13. Review status: criteria provided, single submitter. Criteria: GeneDx Variant Classification Process June 2021. Collection method: clinical testing. Allele origin: germline. Affected: yes.
Comment: This variant is associated with the following publications: (PMID: 17895567, 17047887, 15542399, 10982190, 20158661, 16189622, 11949933, 10925384, 31661040)

Illumina Laboratory Services, Illumina
Classification: Likely benign for Glycogen storage disease type III. Last evaluated: 2017-04-27. Review status: criteria provided, single submitter. Criteria: ICSL Variant Classification Criteria 13 December 2019. Collection method: clinical testing. Allele origin: germline.
Comment: This variant was observed as part of a predisposition screen in an ostensibly healthy population. A literature search was performed for the gene, cDNA change, and amino acid change (where applicable). Publications were found based on this search. The evidence from the literature, in combination with allele frequency data from public databases where available, was sufficient to determine this variant is unlikely to cause disease. Therefore, this variant is classified as likely benign.

Eurofins Ntd Llc (ga)
Classification: Likely benign. Last evaluated: 2017-03-14. Review status: criteria provided, single submitter. Criteria: EGL Classification Definitions 2015. Collection method: clinical testing. Allele origin: germline. Observed: 2 variant alleles, 2 heterozygotes.

PreventionGenetics, part of Exact Sciences
Classification: Likely benign for AGL-related condition. Last evaluated: 2024-04-23. Review status: no assertion criteria provided. Collection method: clinical testing. Allele origin: germline. Not counted in ClinVar's aggregate classification.
Comment: This variant is classified as likely benign based on ACMG/AMP sequence variant interpretation guidelines (Richards et al. 2015 PMID: 25741868, with internal and published modifications).

Literature cited by the submitters: PubMed 31661040 (cited by Women's Health and Genetics/Laboratory Corporation of America, LabCorp); PubMed 10982190 (cited by Illumina Laboratory Services, Illumina); PubMed 17047887 (cited by Illumina Laboratory Services, Illumina); PubMed 16189622 (cited by Illumina Laboratory Services, Illumina); PubMed 15542399 (cited by Illumina Laboratory Services, Illumina).